The following is an entry in ClinVar:

NM_004370.6(COL12A1):c.892A>T (p.Asn298Tyr)

Gene: COL12A1 (collagen type XII alpha 1 chain; minus strand). Cytogenetic location: 6q13.
Variant type: single nucleotide variant.
Coding change: c.892A>T on transcript NM_004370.6 (MANE Select); coding-DNA position 892, A replaced by T.
Protein change: p.Asn298Tyr; replaces asparagine 298 with tyrosine.
Molecular consequence: missense variant. On other transcripts: intron variant (1).
Genome position (GRCh38, 1-based): chr6:75,188,467, T>A on the plus strand (A>T on the coding strand, the complement: COL12A1 is on the minus strand). VCF-style: chr6-75188467-T-A. GRCh37 (hg19) VCF-style: chr6-75898183-T-A.
Other names: c.73+14253A>T (NM_080645.3); short protein forms N298Y.
Identifiers: ClinVar variation 1510661 (VCV001510661.8), dbSNP rs1404705545, ClinGen allele CA364727614.

ClinVar aggregate classification (germline): Uncertain significance (1 of 4 stars; one submission).

Conditions:
Ullrich congenital muscular dystrophy 2 (UCMD2). Identifiers: Orphanet 75840, MedGen C4225314, MONDO:0014654, OMIM 616470.
Bethlem myopathy 2 (BTHLM2). Identifiers: Orphanet 536516, Orphanet 610, MedGen C4225313, MONDO:0034022, OMIM 616471.

Submission:

Labcorp Genetics (formerly Invitae), Labcorp
Classification: Uncertain significance for Bethlem myopathy 2; Ullrich congenital muscular dystrophy 2. Last evaluated: 2023-05-22. Review status: criteria provided, single submitter. Criteria: Invitae Variant Classification Sherloc (09022015). Collection method: clinical testing. Allele origin: germline.
Comment: This sequence change replaces asparagine, which is neutral and polar, with tyrosine, which is neutral and polar, at codon 298 of the COL12A1 protein (p.Asn298Tyr). This variant is not present in population databases (gnomAD no frequency). This variant has not been reported in the literature in individuals affected with COL12A1-related conditions. ClinVar contains an entry for this variant (Variation ID: 1510661). Advanced modeling of protein sequence and biophysical properties (such as structural, functional, and spatial information, amino acid conservation, physicochemical variation, residue mobility, and thermodynamic stability) performed at Invitae indicates that this missense variant is not expected to disrupt COL12A1 protein function. In summary, the available evidence is currently insufficient to determine the role of this variant in disease. Therefore, it has been classified as a Variant of Uncertain Significance.